The following is an entry in ClinVar:

NM_000265.7(NCF1):c.153+14T>C

Genes: NCF1 (neutrophil cytosolic factor 1; plus strand), LOC106029312 (Williams-Beuren syndrome medial block B recombination region; plus strand). Cytogenetic location: 7q11.23.
Variant type: single nucleotide variant.
Coding change: c.153+14T>C on transcript NM_000265.7 (MANE Select); 14 bases into the intron after coding-DNA position 153, T replaced by C.
Molecular consequence: intron variant.
Genome position (GRCh38, 1-based): chr7:74,777,361, T>C. VCF-style: chr7-74777361-T-C. GRCh37 (hg19) VCF-style: chr7-74191707-C-C.
Identifiers: ClinVar variation 1685959 (VCV001685959.3), dbSNP rs707410, ClinGen allele CA658820812.

ClinVar aggregate classification (germline): Benign. Review status: criteria provided, multiple submitters, no conflicts (2 of 4 stars). 2 submissions from 2 submitters: Benign (2). Last evaluated 2024-01-24.

Allele frequency attached by ClinVar (database versions not stated): gnomAD exomes 0.81282; gnomAD 0.82549 and 0.82682; 1000 Genomes Project 30x 0.87617.
gnomAD v4.1: 1,181,654 of 1,450,804 alleles (81%); highest among the groups gnomAD compares: East Asian, 95%; 478,478 homozygotes.

Submissions (2):

Unidad de Genómica Garrahan, Hospital de Pediatría Garrahan
Classification: Benign. Last evaluated: 2024-01-24. Review status: criteria provided, single submitter. Criteria: ACMG Guidelines, 2015. Collection method: clinical testing. Allele origin: germline. Affected: no. Observed: 87 variant alleles.
Comment: This variant is classified as Benign based on local population frequency. This variant was detected in 92% of patients studied by a panel of primary immunodeficiencies. Number of patients: 87. Only high quality variants are reported.

Mendelics
Classification: Benign. Last evaluated: 2022-05-04. Review status: criteria provided, single submitter. Criteria: Mendelics Assertion Criteria 2019. Collection method: clinical testing. Allele origin: germline.